The following is an entry in ClinVar:

ClinVar aggregate classification (germline): Likely benign (0 of 4 stars; one submission).

Conditions:
TNK2-related disorder. Also called: TNK2-related condition.

Allele frequency attached by ClinVar (database versions not stated): gnomAD exomes 0.00001; gnomAD 0.00003; TOPMed 0.00005.
gnomAD v4.1: 22 of 1,566,132 alleles (0.0014%); highest among the groups gnomAD compares: Middle Eastern, 0.018%; no homozygotes.

Submission:

PreventionGenetics, part of Exact Sciences
Classification: Likely benign for TNK2-related condition. Last evaluated: 2019-06-10. Review status: no assertion criteria provided. Collection method: clinical testing. Allele origin: germline.
Comment: This variant is classified as likely benign based on ACMG/AMP sequence variant interpretation guidelines (Richards et al. 2015 PMID: 25741868, with internal and published modifications).

NM_001382273.1(TNK2):c.1761C>T (p.Asp587=)

Gene: TNK2 (tyrosine kinase non receptor 2; minus strand). Cytogenetic location: 3q29.
Variant type: single nucleotide variant.
Coding change: c.1761C>T on transcript NM_001382273.1 (MANE Select); coding-DNA position 1761, C replaced by T.
Protein change: p.Asp587=; no amino-acid change (aspartic acid 587 retained).
Molecular consequence: synonymous variant. On other transcripts: non-coding transcript variant (15).
Genome position (GRCh38, 1-based): chr3:195,868,537, G>A on the plus strand (C>T on the coding strand, the complement: TNK2 is on the minus strand). VCF-style: chr3-195868537-G-A. GRCh37 (hg19) VCF-style: chr3-195595408-G-A.
Other names: c.1833C>T, p.Asp611= (NM_001010938.2, NM_001382272.1); c.1812C>T, p.Asp604= (NM_001308046.2, NM_001382271.1); c.1761C>T, p.Asp587= (NM_001382274.1, NM_001387716.1, NM_001387717.1 and 1 more transcripts); c.1857C>T, p.Asp619= (NM_001382275.1, NM_001387707.1); c.1716C>T, p.Asp572= (NM_001386164.1, NM_001387709.1, NM_001387710.1 and 8 more transcripts); c.1788C>T, p.Asp596= (NM_001387708.1, NM_001387715.1).
Identifiers: ClinVar variation 3033665 (VCV003033665.2), dbSNP rs954432163, ClinGen allele CA90751226.